The following is an entry in ClinVar:

ClinVar aggregate classification (germline): Uncertain significance (1 of 4 stars; one submission).

Conditions:
Combined immunodeficiency due to LRBA deficiency. Also called: Common variable immunodeficiency 8, with autoimmunity. Identifiers: Orphanet 445018, MedGen C3553512, MONDO:0013863, OMIM 614700.

Allele frequency attached by ClinVar (database versions not stated): gnomAD 0.00001; gnomAD exomes 0.00001 and 0.00002; TOPMed 0.00002.
gnomAD v4.1: 30 of 1,614,030 alleles (0.0019%); highest among the groups gnomAD compares: Non-Finnish European, 0.0024%; no homozygotes.

Submission:

Labcorp Genetics (formerly Invitae), Labcorp
Classification: Uncertain significance for Combined immunodeficiency due to LRBA deficiency. Last evaluated: 2022-06-20. Review status: criteria provided, single submitter. Criteria: Invitae Variant Classification Sherloc (09022015). Collection method: clinical testing. Allele origin: germline.
Comment: In summary, the available evidence is currently insufficient to determine the role of this variant in disease. Therefore, it has been classified as a Variant of Uncertain Significance. Algorithms developed to predict the effect of missense changes on protein structure and function (SIFT, PolyPhen-2, Align-GVGD) all suggest that this variant is likely to be tolerated. ClinVar contains an entry for this variant (Variation ID: 580340). This variant has not been reported in the literature in individuals affected with LRBA-related conditions. This variant is present in population databases (no rsID available, gnomAD 0.002%). This sequence change replaces aspartic acid, which is acidic and polar, with glutamic acid, which is acidic and polar, at codon 64 of the LRBA protein (p.Asp64Glu).

NM_001364905.1(LRBA):c.192T>G (p.Asp64Glu)

Gene: LRBA (LPS responsive beige-like anchor protein; minus strand). Cytogenetic location: 4q31.3.
Variant type: single nucleotide variant.
Coding change: c.192T>G on transcript NM_001364905.1 (MANE Select); coding-DNA position 192, T replaced by G.
Protein change: p.Asp64Glu; replaces aspartic acid 64 with glutamic acid.
Molecular consequence: missense variant.
Genome position (GRCh38, 1-based): chr4:151,014,451, A>C on the plus strand (T>G on the coding strand, the complement: LRBA is on the minus strand). VCF-style: chr4-151014451-A-C. GRCh37 (hg19) VCF-style: chr4-151935603-A-C.
Other names: c.192T>G, p.Asp64Glu (NM_001199282.3, NM_001367550.1, NM_006726.5); short protein forms D64E.
Identifiers: ClinVar variation 580340 (VCV000580340.6), dbSNP rs1222697259, ClinGen allele CA358610771.